The following is an entry in ClinVar:

NM_152743.4(BRAT1):c.529C>T (p.Arg177Ter)

Gene: BRAT1 (BRCA1 associated ATM activator 1; minus strand). Cytogenetic location: 7p22.3.
Variant type: single nucleotide variant.
Coding change: c.529C>T on transcript NM_152743.4 (MANE Select); coding-DNA position 529, C replaced by T.
Protein change: p.Arg177Ter; replaces arginine 177 with a stop codon.
Molecular consequence: nonsense. On other transcripts: non-coding transcript variant (1).
Genome position (GRCh38, 1-based): chr7:2,543,864, G>A on the plus strand (C>T on the coding strand, the complement: BRAT1 is on the minus strand). VCF-style: chr7-2543864-G-A. GRCh37 (hg19) VCF-style: chr7-2583498-G-A.
Other names: c.529C>T, p.Arg177Ter (NM_001350626.2); c.4C>T, p.Arg2Ter (NM_001350627.2); short protein forms R177*, R2*.
Identifiers: ClinVar variation 2183060 (VCV002183060.4), dbSNP rs1238539931, ClinGen allele CA366632301.
Genomic context (GRCh38, chr7:2,543,864, plus strand): 5'-TCTGGGCACACGCGGGCCAGTCACCCCCCGGCAGGCAGGGCTGCCCCTCGGCTCCACCTC[G>A]CATGGACAAAGCCAGGACGTGCACCAGGAGCTGACTGGCCGCCGAGGCCACAAACAGGCT-3'

ClinVar aggregate classification (germline): Pathogenic (1 of 4 stars; one submission).

Conditions:
Neonatal-onset encephalopathy with rigidity and seizures. Also called: Lethal neonatal spasticity-epileptic encephalopathy syndrome. Identifiers: Orphanet 435845, MedGen C3281029, MONDO:0013784, OMIM 614498.

gnomAD v4.1: 1 of 1,612,804 alleles (0.000062%); no homozygotes.

Submission:

Labcorp Genetics (formerly Invitae), Labcorp
Classification: Pathogenic for Neonatal-onset encephalopathy with rigidity and seizures. Last evaluated: 2022-05-12. Review status: criteria provided, single submitter. Criteria: Invitae Variant Classification Sherloc (09022015). Collection method: clinical testing. Allele origin: germline.
Comment: For these reasons, this variant has been classified as Pathogenic. Algorithms developed to predict the effect of sequence changes on RNA splicing suggest that this variant may create or strengthen a splice site. This variant has not been reported in the literature in individuals affected with BRAT1-related conditions. This variant is present in population databases (no rsID available, gnomAD 0.01%). This sequence change creates a premature translational stop signal (p.Arg177*) in the BRAT1 gene. It is expected to result in an absent or disrupted protein product. Loss-of-function variants in BRAT1 are known to be pathogenic (PMID: 22279524, 25500575).

Literature cited by the submitters: PubMed 22279524; PubMed 25500575.